The following is an entry in ClinVar:

ClinVar aggregate classification (germline): Likely benign. Review status: criteria provided, multiple submitters, no conflicts (2 of 4 stars). 2 submissions from 2 submitters: Likely benign (2). Last evaluated 2019-09-26.

Conditions:
Hereditary cancer-predisposing syndrome. Also called: Hereditary neoplastic syndrome; Hereditary Cancer Syndrome; Neoplastic Syndromes, Hereditary; Tumor predisposition. Identifiers: Orphanet 140162, MedGen C0027672, MeSH D009386, MONDO:0015356.

Submissions (2):

Ambry Genetics
Classification: Likely benign for Hereditary cancer-predisposing syndrome. Last evaluated: 2019-09-26. Review status: criteria provided, single submitter. Criteria: Ambry Variant Classification Scheme 2023. Collection method: clinical testing. Allele origin: germline.

GeneDx
Classification: Likely benign. Last evaluated: 2017-03-23. Review status: criteria provided, single submitter. Criteria: GeneDx Variant Classification (06012015). Collection method: clinical testing. Allele origin: germline. Affected: yes.
Comment: This variant is considered likely benign or benign based on one or more of the following criteria: it is a conservative change, it occurs at a poorly conserved position in the protein, it is predicted to be benign by multiple in silico algorithms, and/or has population frequency not consistent with disease.

NM_000051.4(ATM):c.2739C>A (p.Thr913=)

Gene: ATM (ATM serine/threonine kinase; plus strand). Cytogenetic location: 11q22.3.
Variant type: single nucleotide variant.
Coding change: c.2739C>A on transcript NM_000051.4 (MANE Select); coding-DNA position 2739, C replaced by A.
Protein change: p.Thr913=; no amino-acid change (threonine 913 retained).
Molecular consequence: synonymous variant.
Genome position (GRCh38, 1-based): chr11:108,268,510, C>A. VCF-style: chr11-108268510-C-A. GRCh37 (hg19) VCF-style: chr11-108139237-C-A.
Other names: c.2739C>A, p.Thr913= (NM_001351834.2).
Identifiers: ClinVar variation 508403 (VCV000508403.3), dbSNP rs1555083293, ClinGen allele CA476673892.